The following is an entry in ClinVar:

ClinVar aggregate classification (germline): Uncertain significance (1 of 4 stars; one submission).

Submission:

Ambry Genetics
Classification: Uncertain significance. Last evaluated: 2024-06-19. Review status: criteria provided, single submitter. Criteria: Ambry Variant Classification Scheme 2023. Collection method: clinical testing. Allele origin: germline.
Comment: The p.R215P variant (also known as c.644G>C), located in coding exon 5 of the RECQL gene, results from a G to C substitution at nucleotide position 644. The arginine at codon 215 is replaced by proline, an amino acid with dissimilar properties. This amino acid position is conserved. In addition, the in silico prediction for this alteration is inconclusive. Based on the available evidence, the clinical significance of this variant remains unclear.

NM_002907.4(RECQL):c.644G>C (p.Arg215Pro)

Gene: RECQL (RecQ like helicase; minus strand). Cytogenetic location: 12p12.1.
Variant type: single nucleotide variant.
Coding change: c.644G>C on transcript NM_002907.4 (MANE Select); coding-DNA position 644, G replaced by C.
Protein change: p.Arg215Pro; replaces arginine 215 with proline.
Molecular consequence: missense variant.
Genome position (GRCh38, 1-based): chr12:21,483,432, C>G on the plus strand (G>C on the coding strand, the complement: RECQL is on the minus strand). VCF-style: chr12-21483432-C-G. GRCh37 (hg19) VCF-style: chr12-21636366-C-G.
Other names: c.644G>C, p.Arg215Pro (NM_032941.3); short protein forms R215P.
Identifiers: ClinVar variation 3313532 (VCV003313532.1).